The following is an entry in ClinVar:

ClinVar aggregate classification (germline): Pathogenic/Likely pathogenic. Review status: criteria provided, multiple submitters, no conflicts (2 of 4 stars). 3 submissions from 3 submitters: Pathogenic (1); Likely pathogenic (1). 1 of the submissions does not count toward it. Last evaluated 2025-03-22.

Conditions:
Niemann-Pick disease, type C1. Also called: NEUROVISCERAL STORAGE DISEASE WITH VERTICAL SUPRANUCLEAR OPHTHALMOPLEGIA; NIEMANN-PICK DISEASE WITH CHOLESTEROL ESTERIFICATION BLOCK; NIEMANN-PICK DISEASE WITHOUT SPHINGOMYELINASE DEFICIENCY; NIEMANN-PICK DISEASE, CHRONIC NEURONOPATHIC FORM; NIEMANN-PICK DISEASE, VARIANT TYPE C1. Identifiers: Orphanet 646, MedGen C3179455, MONDO:0009757, OMIM 257220.

Submissions (3):

Labcorp Genetics (formerly Invitae), Labcorp
Classification: Pathogenic for Niemann-Pick disease, type C1. Last evaluated: 2025-03-22. Review status: criteria provided, single submitter. Criteria: Invitae Variant Classification Sherloc (09022015). Collection method: clinical testing. Allele origin: germline.
Comment: This sequence change creates a premature translational stop signal (p.Ile1109Tyrfs*4) in the NPC1 gene. It is expected to result in an absent or disrupted protein product. Loss-of-function variants in NPC1 are known to be pathogenic (PMID: 9211850). This variant is not present in population databases (gnomAD no frequency). This variant has not been reported in the literature in individuals affected with NPC1-related conditions. ClinVar contains an entry for this variant (Variation ID: 371282). For these reasons, this variant has been classified as Pathogenic.

Natera, Inc.
Classification: Likely pathogenic for Niemann-Pick disease type C1. Last evaluated: 2024-04-01. Review status: criteria provided, single submitter. Criteria: Natera Variant Classification Schema (03/2026). Collection method: clinical testing. Allele origin: germline.
Comment: The c.3325delA variant in NPC1 is a frameshift variant predicted to shift the reading frame beginning at codon 1109 and leads to a stop codon 4 codons downstream. This variant is expected to result in nonsense mediated decay, truncation, or a dysfunctional protein product. This variant is rare in the general population with a frequency below the threshold expected for the associated phenotype(s). Given the available evidence, this variant is classified as Likely Pathogenic.

Counsyl
Classification: Likely pathogenic for Niemann-Pick disease, type C1. Last evaluated: 2016-08-17. Review status: no assertion criteria provided. Collection method: clinical testing. Allele origin: unknown. Not counted in ClinVar's aggregate classification.

Literature cited by the submitters: PubMed 9211850 (cited by Labcorp Genetics (formerly Invitae), Labcorp).

NM_000271.5(NPC1):c.3325del (p.Ile1109fs)

Gene: NPC1 (NPC intracellular cholesterol transporter 1; minus strand). Cytogenetic location: 18q11.2.
Variant type: Deletion.
Coding change: c.3325del on transcript NM_000271.5 (MANE Select); coding-DNA position 3325, one base deleted (A; older notation c.3325delA).
Protein change: p.Ile1109fs; shifts the reading frame from isoleucine 1109.
Molecular consequence: frameshift variant.
Genome position (GRCh38, 1-based): chr18:23,535,621, T deleted on the plus strand (A on the coding strand, the reverse complement: NPC1 is on the minus strand). VCF-style (leftmost placement, unchanged base first): chr18-23535620-AT-A. GRCh37 (hg19) VCF-style: chr18-21115584-AT-A.
Other names: short protein forms I1109fs.
Identifiers: ClinVar variation 371282 (VCV000371282.12), dbSNP rs1057517149, ClinGen allele CA16041910.